The following is an entry in ClinVar:

NM_001372.4(DNAH9):c.3866A>G (p.Tyr1289Cys)

Gene: DNAH9 (dynein axonemal heavy chain 9; plus strand). Cytogenetic location: 17p12.
Variant type: single nucleotide variant.
Coding change: c.3866A>G on transcript NM_001372.4 (MANE Select); coding-DNA position 3866, A replaced by G.
Protein change: p.Tyr1289Cys; replaces tyrosine 1289 with cysteine.
Molecular consequence: missense variant.
Genome position (GRCh38, 1-based): chr17:11,689,688, A>G. VCF-style: chr17-11689688-A-G. GRCh37 (hg19) VCF-style: chr17-11593005-A-G.
Other names: short protein forms Y1289C.
Identifiers: ClinVar variation 1450374 (VCV001450374.7), dbSNP rs745824188, ClinGen allele CA8395561.
Genomic context (GRCh38, chr17:11,689,688, plus strand): 5'-AATCCACTATGGCCTCCATTTCTGAGTCTGCCAGCTTATTTGAAGTCAATGTCCCTGACT[A>G]TAAGCAGCTGAGGCAGTGCAGGAAGGAGGTCTGCCAGCTGAAGGAGCTCTGGGACACCAT-3'
Protein context (NP_001363.2, residues 1279-1299): ASLFEVNVPD[Tyr1289Cys]KQLRQCRKEV

ClinVar aggregate classification (germline): Uncertain significance (1 of 4 stars; one submission).

Allele frequency attached by ClinVar (database versions not stated): gnomAD 0.00001; TOPMed 0.00002; gnomAD exomes 0.00005; ExAC 0.00007.
gnomAD v4.1: 61 of 1,614,076 alleles (0.0038%); highest among the groups gnomAD compares: Middle Eastern, 0.099%; no homozygotes.

Submission:

Labcorp Genetics (formerly Invitae), Labcorp
Classification: Uncertain significance. Last evaluated: 2024-05-21. Review status: criteria provided, single submitter. Criteria: Invitae Variant Classification Sherloc (09022015). Collection method: clinical testing. Allele origin: germline.
Comment: This sequence change replaces tyrosine, which is neutral and polar, with cysteine, which is neutral and slightly polar, at codon 1289 of the DNAH9 protein (p.Tyr1289Cys). This variant is present in population databases (rs745824188, gnomAD 0.02%). This variant has not been reported in the literature in individuals affected with DNAH9-related conditions. ClinVar contains an entry for this variant (Variation ID: 1450374). Advanced modeling of protein sequence and biophysical properties (such as structural, functional, and spatial information, amino acid conservation, physicochemical variation, residue mobility, and thermodynamic stability) performed at Invitae indicates that this missense variant is expected to disrupt DNAH9 protein function with a positive predictive value of 80%. In summary, the available evidence is currently insufficient to determine the role of this variant in disease. Therefore, it has been classified as a Variant of Uncertain Significance.